The following is an entry in ClinVar:

NM_003738.5(PTCH2):c.2711C>T (p.Pro904Leu)

Gene: PTCH2 (patched 2; minus strand). Cytogenetic location: 1p34.1.
Variant type: single nucleotide variant.
Coding change: c.2711C>T on transcript NM_003738.5 (MANE Select); coding-DNA position 2711, C replaced by T.
Protein change: p.Pro904Leu; replaces proline 904 with leucine.
Molecular consequence: missense variant.
Genome position (GRCh38, 1-based): chr1:44,826,753, G>A on the plus strand (C>T on the coding strand, the complement: PTCH2 is on the minus strand). VCF-style: chr1-44826753-G-A. GRCh37 (hg19) VCF-style: chr1-45292425-G-A.
Other names: c.2711C>T, p.Pro904Leu (NM_001166292.2); short protein forms P904L.
Identifiers: ClinVar variation 2083904 (VCV002083904.4), dbSNP rs755008465, ClinGen allele CA822897.

ClinVar aggregate classification (germline): Uncertain significance (1 of 4 stars; one submission).

Conditions:
Gorlin syndrome. Also called: Nevoid Basal Cell Carcinoma Syndrome; Basal cell nevus syndrome. Identifiers: Orphanet 377, MedGen C0004779, MONDO:0007187.

Allele frequency attached by ClinVar (database versions not stated): ExAC 0.00002; gnomAD 0.00002; TOPMed 0.00002; gnomAD exomes 0.00005.
gnomAD v4.1: 67 of 1,596,632 alleles (0.0042%); highest among the groups gnomAD compares: South Asian, 0.018%; no homozygotes.

Submission:

Labcorp Genetics (formerly Invitae), Labcorp
Classification: Uncertain significance for Gorlin syndrome. Last evaluated: 2025-12-03. Review status: criteria provided, single submitter. Criteria: Invitae Variant Classification Sherloc (09022015). Collection method: clinical testing. Allele origin: germline.
Comment: This sequence change replaces proline, which is neutral and non-polar, with leucine, which is neutral and non-polar, at codon 904 of the PTCH2 protein (p.Pro904Leu). This variant is present in population databases (rs755008465, gnomAD 0.02%). This variant has not been reported in the literature in individuals affected with PTCH2-related conditions. ClinVar contains an entry for this variant (Variation ID: 2083904). Invitae Evidence Modeling of protein sequence and biophysical properties (such as structural, functional, and spatial information, amino acid conservation, physicochemical variation, residue mobility, and thermodynamic stability) indicates that this missense variant is not expected to disrupt PTCH2 protein function with a negative predictive value of 80%. In summary, the available evidence is currently insufficient to determine the role of this variant in disease. Therefore, it has been classified as a Variant of Uncertain Significance.